The following is an entry in ClinVar:

NM_207341.4(ZP1):c.1573-71T>A

Gene: ZP1 (zona pellucida glycoprotein 1; plus strand). Cytogenetic location: 11q12.2.
Variant type: single nucleotide variant.
Coding change: c.1573-71T>A on transcript NM_207341.4 (MANE Select); 71 bases into the intron before coding-DNA position 1573, T replaced by A.
Molecular consequence: intron variant.
Genome position (GRCh38, 1-based): chr11:60,874,862, T>A. VCF-style: chr11-60874862-T-A. GRCh37 (hg19) VCF-style: chr11-60642335-T-A.
Other names: c.694-71T>A (NM_001391943.1); c.379-71T>A (NM_001391944.1).
Identifiers: ClinVar variation 4854916 (VCV004854916.1).

ClinVar aggregate classification (germline): Uncertain significance (1 of 4 stars; one submission).

Conditions:
Female infertility due to zona pellucida defect (OZEMA1). Also called: Oocyte maturation defect 1; OOCYTE/ZYGOTE/EMBRYO MATURATION ARREST 1. Identifiers: Orphanet 404466, MedGen C4014291, MONDO:0014342, OMIM 615774.

gnomAD v4.1: 46 of 1,492,408 alleles (0.0031%); highest among the groups gnomAD compares: Non-Finnish European, 0.0036%; no homozygotes.

Submission:

3billion
Classification: Uncertain significance for Female infertility due to zona pellucida defect. Last evaluated: 2025-11-28. Review status: criteria provided, single submitter. Criteria: ACMG Guidelines, 2015. Collection method: clinical testing. Allele origin: germline. Affected: yes.
Comment: The variant is observed at an extremely low frequency in the gnomAD v4.1.0 dataset (total allele frequency: 0.003%). Predicted Consequence/Location: Intron variant In silico tools do not predict the variant to alter splicing and produce an abnormal transcript [SpliceAI: 0.02 (<=0.1, moderate evidence for non-spliceogenicity)]. However, functional analysis for splicing alteration may yield varying results. Therefore, this variant is classified as VUS according to the recommendation of ACMG/AMP guideline.